The following is an entry in ClinVar:

ClinVar aggregate classification (germline): Uncertain significance (1 of 4 stars; one submission).

Conditions:
Hypertrophic cardiomyopathy. Also called: HYPERTROPHIC MYOCARDIOPATHY. Identifiers: Orphanet 217569, MedGen C0007194, MeSH D002312, MONDO:0005045, HP:0001639.

Allele frequency attached by ClinVar (database versions not stated): gnomAD exomes below 0.00001.
gnomAD v4.1: 4 of 1,614,180 alleles (0.00025%); highest among the groups gnomAD compares: Non-Finnish European, 0.00034%; no homozygotes.

Submission:

Labcorp Genetics (formerly Invitae), Labcorp
Classification: Uncertain significance for Hypertrophic cardiomyopathy. Last evaluated: 2025-10-13. Review status: criteria provided, single submitter. Criteria: Invitae Variant Classification Sherloc (09022015). Collection method: clinical testing. Allele origin: germline.
Comment: This sequence change replaces arginine, which is basic and polar, with cysteine, which is neutral and slightly polar, at codon 101 of the TPM1 protein (p.Arg101Cys). This variant is present in population databases (rs769069020, gnomAD 0.002%). This variant has not been reported in the literature in individuals affected with TPM1-related conditions. ClinVar contains an entry for this variant (Variation ID: 2720872). An algorithm developed to predict the effect of missense changes on protein structure and function (PolyPhen-2) suggests that this variant is likely to be disruptive. In summary, the available evidence is currently insufficient to determine the role of this variant in disease. Therefore, it has been classified as a Variant of Uncertain Significance.

NM_001018005.2(TPM1):c.301C>T (p.Arg101Cys)

Gene: TPM1 (tropomyosin 1; plus strand). Cytogenetic location: 15q22.2.
Variant type: single nucleotide variant.
Coding change: c.301C>T on transcript NM_001018005.2 (MANE Select); coding-DNA position 301, C replaced by T.
Protein change: p.Arg101Cys; replaces arginine 101 with cysteine.
Molecular consequence: missense variant. On other transcripts: non-coding transcript variant (17).
Genome position (GRCh38, 1-based): chr15:63,057,045, C>T. VCF-style: chr15-63057045-C-T. GRCh37 (hg19) VCF-style: chr15-63349244-C-T.
Other names: c.193C>T, p.Arg65Cys (NM_001365780.1, NM_001365781.2, NM_001365782.1 and 9 more transcripts); c.427C>T, p.Arg143Cys (NM_001407322.1, NM_001407323.1, NM_001407324.1 and 1 more transcripts); c.301C>T, p.Arg101Cys (NM_001407325.1, NM_001407326.1, NM_001407327.1 and 20 more transcripts); short protein forms R143C, R65C, R101C.
Identifiers: ClinVar variation 2720872 (VCV002720872.3), dbSNP rs769069020, ClinGen allele CA029008.